The following is an entry in ClinVar:

ClinVar aggregate classification (germline): Uncertain significance (1 of 4 stars; one submission).

Conditions:
Sphingolipid activator protein 1 deficiency. Also called: METACHROMATIC LEUKODYSTROPHY DUE TO CEREBROSIDE SULFATASE ACTIVATOR DEFICIENCY; Saposin B Deficiency; Metachromatic leukodystrophy due to saposin B deficiency. Identifiers: Orphanet 512, MedGen C0268262, MONDO:0009590, OMIM 249900.

Submission:

Labcorp Genetics (formerly Invitae), Labcorp
Classification: Uncertain significance for Sphingolipid activator protein 1 deficiency. Last evaluated: 2021-08-27. Review status: criteria provided, single submitter. Criteria: Invitae Variant Classification Sherloc (09022015). Collection method: clinical testing. Allele origin: germline.
Comment: This variant, c.996_998del, results in the deletion of 1 amino acid(s) of the PSAP protein (p.Asn332del), but otherwise preserves the integrity of the reading frame. This variant is present in population databases (rs751974432, ExAC 0.01%). This variant has not been reported in the literature in individuals affected with PSAP-related conditions. Experimental studies and prediction algorithms are not available or were not evaluated, and the functional significance of this variant is currently unknown. In summary, the available evidence is currently insufficient to determine the role of this variant in disease. Therefore, it has been classified as a Variant of Uncertain Significance.

NM_002778.4(PSAP):c.990CAA[2] (p.Asn332del)

Gene: PSAP (prosaposin; minus strand). Cytogenetic location: 10q22.1.
Variant type: Microsatellite.
Coding change: c.990CAA[2] on transcript NM_002778.4 (MANE Select); two copies in a row of the 3-base unit CAA starting at c.990; the reference has three copies in a row; one copy, 3 bases deleted.
Protein change: p.Asn332del; deletes asparagine 332.
Molecular consequence: inframe deletion.
Genome position (GRCh38, 1-based): chr10:71,820,247-71,820,249, TTG deleted on the plus strand (CAA on the coding strand, the reverse complement: PSAP is on the minus strand); deleting any 3 consecutive bases within chr10:71,820,247-71,820,256 gives the same sequence; the position shown is the placement nearest the transcript's 3' end. VCF-style (leftmost placement, unchanged base first): chr10-71820246-CTTG-C. GRCh37 (hg19) VCF-style: chr10-73580003-CTTG-C.
Other names: c.999CAA[2], p.Asn335del (NM_001042465.3); c.996CAA[2], p.Asn334del (NM_001042466.3); short protein forms N335del, N332del, N334del.
Identifiers: ClinVar variation 2140805 (VCV002140805.1), dbSNP rs751974432, ClinGen allele CA5547545.